The following is an entry in ClinVar:

ClinVar aggregate classification (germline): Uncertain significance (1 of 4 stars; one submission).

Conditions:
Charcot-Marie-Tooth disease axonal type 2O. Also called: CHARCOT-MARIE-TOOTH NEUROPATHY, AXONAL, TYPE 2O; CHARCOT-MARIE-TOOTH DISEASE, AXONAL, AUTOSOMAL DOMINANT, TYPE 2O; Charcot-Marie-Tooth Neuropathy Type 2O; Charcot-Marie-Tooth disease, axonal, type 20. Identifiers: Orphanet 284232, MedGen C3280220, MONDO:0013644, OMIM 614228.

Allele frequency attached by ClinVar (database versions not stated): gnomAD 0.00001.

Submission:

Labcorp Genetics (formerly Invitae), Labcorp
Classification: Uncertain significance for Charcot-Marie-Tooth disease axonal type 2O. Last evaluated: 2021-10-13. Review status: criteria provided, single submitter. Criteria: Invitae Variant Classification Sherloc (09022015). Collection method: clinical testing. Allele origin: germline.
Comment: This sequence change replaces methionine with valine at codon 1798 of the DYNC1H1 protein (p.Met1798Val). The methionine residue is moderately conserved and there is a small physicochemical difference between methionine and valine. This variant is not present in population databases (ExAC no frequency). This variant has not been reported in the literature in individuals affected with DYNC1H1-related conditions. Advanced modeling of protein sequence and biophysical properties (such as structural, functional, and spatial information, amino acid conservation, physicochemical variation, residue mobility, and thermodynamic stability) performed at Invitae indicates that this missense variant is not expected to disrupt DYNC1H1 protein function. In summary, the available evidence is currently insufficient to determine the role of this variant in disease. Therefore, it has been classified as a Variant of Uncertain Significance.

NM_001376.5(DYNC1H1):c.5392A>G (p.Met1798Val)

Gene: DYNC1H1 (dynein cytoplasmic 1 heavy chain 1; plus strand). Cytogenetic location: 14q32.31.
Variant type: single nucleotide variant.
Coding change: c.5392A>G on transcript NM_001376.5 (MANE Select); coding-DNA position 5392, A replaced by G.
Protein change: p.Met1798Val; replaces methionine 1798 with valine.
Molecular consequence: missense variant.
Genome position (GRCh38, 1-based): chr14:102,005,195, A>G. VCF-style: chr14-102005195-A-G. GRCh37 (hg19) VCF-style: chr14-102471532-A-G.
Other names: short protein forms M1798V.
Identifiers: ClinVar variation 1496377 (VCV001496377.6), dbSNP rs2048183332, ClinGen allele CA391046895.